The following is an entry in ClinVar:

ClinVar aggregate classification (germline): Likely pathogenic (1 of 4 stars; one submission).

Conditions:
Char syndrome (CHAR). Also called: PATENT DUCTUS ARTERIOSUS WITH FACIAL DYSMORPHISM AND ABNORMAL FIFTH DIGITS. Identifiers: Orphanet 46627, MedGen C1868570, MONDO:0008209, OMIM 169100.

Submission:

Institute of Human Genetics, University of Leipzig Medical Center
Classification: Likely pathogenic for Char syndrome. Last evaluated: 2023-10-13. Review status: criteria provided, single submitter. Criteria: ACMG Guidelines, 2015. Collection method: clinical testing. Allele origin: maternal. Inheritance: Autosomal dominant inheritance. Affected: yes.
Comment: Criteria applied: PVS1,PM2_SUP

NM_003221.4(TFAP2B):c.981C>A (p.Cys327Ter)

Gene: TFAP2B (transcription factor AP-2 beta; plus strand). Cytogenetic location: 6p12.3.
Variant type: single nucleotide variant.
Coding change: c.981C>A on transcript NM_003221.4 (MANE Select); coding-DNA position 981, C replaced by A.
Protein change: p.Cys327Ter; replaces cysteine 327 with a stop codon.
Molecular consequence: nonsense.
Genome position (GRCh38, 1-based): chr6:50,840,196, C>A. VCF-style: chr6-50840196-C-A. GRCh37 (hg19) VCF-style: chr6-50807909-C-A.
Other names: short protein forms C327*.
Identifiers: ClinVar variation 2627564 (VCV002627564.3), dbSNP rs759239606, ClinGen allele CA364415573.